The following is an entry in ClinVar:

NM_000155.4(GALT):c.220C>G (p.Leu74Val)

Genes: GALT (galactose-1-phosphate uridylyltransferase; plus strand), LOC130001683 (ATAC-STARR-seq lymphoblastoid active region 28314; plus strand). Cytogenetic location: 9p13.3.
Variant type: single nucleotide variant.
Coding change: c.220C>G on transcript NM_000155.4 (MANE Select); coding-DNA position 220, C replaced by G.
Protein change: p.Leu74Val; replaces leucine 74 with valine.
Molecular consequence: missense variant. On other transcripts: synonymous variant (1).
Genome position (GRCh38, 1-based): chr9:34,647,226, C>G. VCF-style: chr9-34647226-C-G. GRCh37 (hg19) VCF-style: chr9-34647223-C-G.
Other names: p.Leu74Val; c.18C>G, p.Leu6= (NM_001258332.2); short protein forms L74V.
Identifiers: ClinVar variation 3381049 (VCV003381049.1).

ClinVar aggregate classification (germline): Likely pathogenic (1 of 4 stars; one submission).

Submission:

Mayo Clinic Laboratories, Mayo Clinic
Classification: Likely pathogenic. Last evaluated: 2023-09-18. Review status: criteria provided, single submitter. Criteria: ACMG Guidelines, 2015. Collection method: clinical testing. Allele origin: germline. Observed: 1 variant allele.
Comment: PP3, PP4, PM2_moderate, PM5